The following is an entry in ClinVar:

ClinVar aggregate classification (germline): Pathogenic. Review status: criteria provided, multiple submitters, no conflicts (2 of 4 stars). 2 submissions from 2 submitters: Pathogenic (2). Last evaluated 2024-11-20.

Conditions:
Exostoses, multiple, type 1 (EXT1). Also called: EXOSTOSES, MULTIPLE, TYPE I; Hereditary Multiple Osteochondromatosis, Type I. Identifiers: MedGen CN263289, MONDO:0007585, OMIM 133700.

Submissions (2):

3billion
Classification: Pathogenic for Exostoses, multiple, type 1. Last evaluated: 2024-11-20. Review status: criteria provided, single submitter. Criteria: ACMG Guidelines, 2015. Collection method: clinical testing. Allele origin: germline. Affected: yes.
Comment: The variant is not observed in the gnomAD v4.1.0 dataset. Predicted Consequence/Location: Stop-gained (nonsense): predicted to result in a loss or disruption of normal protein function through nonsense-mediated decay (NMD) or protein truncation. Multiple pathogenic variants are reported downstream of the variant. The variant has been reported to be associated with EXT1 related disorder (ClinVar ID: VCV003340271 /PMID: 18165274). Therefore, this variant is classified as Pathogenic according to the recommendation of ACMG/AMP guideline.

GeneDx
Classification: Pathogenic. Last evaluated: 2023-10-23. Review status: criteria provided, single submitter. Criteria: GeneDx Variant Classification Process June 2021. Collection method: clinical testing. Allele origin: germline. Affected: yes.
Comment: Nonsense variant predicted to result in protein truncation or nonsense mediated decay in a gene for which loss of function is a known mechanism of disease; Not observed at significant frequency in large population cohorts (gnomAD); This variant is associated with the following publications: (PMID: 18165274)

Literature cited by the submitters: PubMed 18165274 (cited by 3billion).

NM_000127.3(EXT1):c.786C>G (p.Tyr262Ter)

Gene: EXT1 (exostosin glycosyltransferase 1; minus strand). Cytogenetic location: 8q24.11.
Variant type: single nucleotide variant.
Coding change: c.786C>G on transcript NM_000127.3 (MANE Select); coding-DNA position 786, C replaced by G.
Protein change: p.Tyr262Ter; replaces tyrosine 262 with a stop codon.
Molecular consequence: nonsense.
Genome position (GRCh38, 1-based): chr8:118,110,261, G>C on the plus strand (C>G on the coding strand, the complement: EXT1 is on the minus strand). VCF-style: chr8-118110261-G-C. GRCh37 (hg19) VCF-style: chr8-119122500-G-C.
Other names: short protein forms Y262*.
Identifiers: ClinVar variation 3340271 (VCV003340271.2).